The following is an entry in ClinVar:

ClinVar aggregate classification (germline): Uncertain significance (1 of 4 stars; one submission).

Conditions:
Atrial standstill 1 (ATRST1). Also called: Atrial standstill, digenic (GJA5/SCN5A); ATRIAL CARDIOMYOPATHY WITH HEART BLOCK; CARDIOMYOPATHY, FAMILIAL, WITH CONDUCTION DISTURBANCE. Identifiers: Orphanet 1344, MedGen C4551959, MONDO:0007171, OMIM 108770.
Atrial fibrillation, familial, 11 (ATFB11). Identifiers: MedGen C3279693, MONDO:0013544, OMIM 614049.

Allele frequency attached by ClinVar (database versions not stated): TOPMed below 0.00001; ExAC 0.00001; gnomAD 0.00001; ESP Exome Variant Server 0.00008.
gnomAD v4.1: 1 of 1,614,010 alleles (0.000062%); highest among the groups gnomAD compares: Non-Finnish European, 0.000085%; no homozygotes.

Submission:

Labcorp Genetics (formerly Invitae), Labcorp
Classification: Uncertain significance for Atrial fibrillation, familial, 11; Atrial standstill 1. Last evaluated: 2025-08-01. Review status: criteria provided, single submitter. Criteria: Invitae Variant Classification Sherloc (09022015). Collection method: clinical testing. Allele origin: germline.
Comment: This sequence change replaces glycine, which is neutral and non-polar, with aspartic acid, which is acidic and polar, at codon 274 of the GJA5 protein (p.Gly274Asp). This variant is present in population databases (rs370225026, gnomAD 0.0009%). This variant has not been reported in the literature in individuals affected with GJA5-related conditions. ClinVar contains an entry for this variant (Variation ID: 2195893). Invitae Evidence Modeling of protein sequence and biophysical properties (such as structural, functional, and spatial information, amino acid conservation, physicochemical variation, residue mobility, and thermodynamic stability) indicates that this missense variant is not expected to disrupt GJA5 protein function with a negative predictive value of 80%. In summary, the available evidence is currently insufficient to determine the role of this variant in disease. Therefore, it has been classified as a Variant of Uncertain Significance.

NM_181703.4(GJA5):c.821G>A (p.Gly274Asp)

Genes: GJA5 (gap junction protein alpha 5; minus strand), LOC122128420 (Sharpr-MPRA regulatory region 3144; plus strand). Cytogenetic location: 1q21.2.
Variant type: single nucleotide variant.
Coding change: c.821G>A on transcript NM_181703.4 (MANE Select); coding-DNA position 821, G replaced by A.
Protein change: p.Gly274Asp; replaces glycine 274 with aspartic acid.
Molecular consequence: missense variant.
Genome position (GRCh38, 1-based): chr1:147,758,418, C>T on the plus strand (G>A on the coding strand, the complement: GJA5 is on the minus strand). VCF-style: chr1-147758418-C-T. GRCh37 (hg19) VCF-style: chr1-147230526-C-T.
Other names: c.821G>A, p.Gly274Asp (NM_005266.7); short protein forms G274D.
Identifiers: ClinVar variation 2195893 (VCV002195893.4), dbSNP rs370225026, ClinGen allele CA1065696.
Genomic context (GRCh38, chr1:147,758,418, plus strand): 5'-TCTGTGTTTTGTTGGGAGGCCATATTATTGCTGAAGGGATTGAAGAATTTTCCCCCAGGG[C>T]CATTCTCCAGGCACTGATTAAAGTCGGGGGGTGGTGTGCAGCTCTGGACTATGCCCACAG-3'
Protein context (NP_859054.1, residues 264-284): PPDFNQCLEN[Gly274Asp]PGGKFFNPFS